The following is an entry in ClinVar:

ClinVar aggregate classification (germline): Uncertain significance (1 of 4 stars; one submission).

Conditions:
Idiopathic Pulmonary Fibrosis. Also called: Idiopathic fibrosing alveolitis, chronic form; idiopathic fibrosing alveolitis. Identifiers: Orphanet 2032, MedGen C1800706, MeSH D054990, MONDO:0800504.
Dyskeratosis congenita, autosomal dominant 2. Identifiers: MedGen C3151443, MONDO:0013521, OMIM 613989.

Allele frequency attached by ClinVar (database versions not stated): gnomAD exomes below 0.00001.

Submission:

Labcorp Genetics (formerly Invitae), Labcorp
Classification: Uncertain significance for Dyskeratosis congenita, autosomal dominant 2; Idiopathic Pulmonary Fibrosis. Last evaluated: 2021-08-31. Review status: criteria provided, single submitter. Criteria: Invitae Variant Classification Sherloc (09022015). Collection method: clinical testing. Allele origin: germline.
Comment: This sequence change replaces threonine with isoleucine at codon 283 of the TERT protein (p.Thr283Ile). The threonine residue is weakly conserved and there is a moderate physicochemical difference between threonine and isoleucine. This variant is not present in population databases (ExAC no frequency). This variant has not been reported in the literature in individuals affected with TERT-related conditions. Algorithms developed to predict the effect of missense changes on protein structure and function (SIFT, PolyPhen-2, Align-GVGD) all suggest that this variant is likely to be tolerated. In summary, the available evidence is currently insufficient to determine the role of this variant in disease. Therefore, it has been classified as a Variant of Uncertain Significance.

NM_198253.3(TERT):c.848C>T (p.Thr283Ile)

Gene: TERT (telomerase reverse transcriptase; minus strand). Cytogenetic location: 5p15.33.
Variant type: single nucleotide variant.
Coding change: c.848C>T on transcript NM_198253.3 (MANE Select); coding-DNA position 848, C replaced by T.
Protein change: p.Thr283Ile; replaces threonine 283 with isoleucine.
Molecular consequence: missense variant. On other transcripts: non-coding transcript variant (2).
Genome position (GRCh38, 1-based): chr5:1,294,038, G>A on the plus strand (C>T on the coding strand, the complement: TERT is on the minus strand). VCF-style: chr5-1294038-G-A. GRCh37 (hg19) VCF-style: chr5-1294153-G-A.
Other names: c.848C>T, p.Thr283Ile (NM_001193376.3); short protein forms T283I.
Identifiers: ClinVar variation 969539 (VCV000969539.7), dbSNP rs1231931601, ClinGen allele CA359056496.